The following is an entry in ClinVar:

NM_198239.2(CCN6):c.434G>A (p.Cys145Tyr)

Gene: CCN6 (cellular communication network factor 6; plus strand). Cytogenetic location: 6q21.
Variant type: single nucleotide variant.
Coding change: c.434G>A on transcript NM_198239.2 (MANE Select); coding-DNA position 434, G replaced by A.
Protein change: p.Cys145Tyr; replaces cysteine 145 with tyrosine.
Molecular consequence: missense variant. On other transcripts: non-coding transcript variant (2).
Genome position (GRCh38, 1-based): chr6:112,064,842, G>A. VCF-style: chr6-112064842-G-A. GRCh37 (hg19) VCF-style: chr6-112386045-G-A.
Other names: c.434G>A (NM_003880.3); c.434G>A, p.Cys145Tyr (NM_003880.4); short protein forms C145Y.
Identifiers: ClinVar variation 6379 (VCV000006379.6), dbSNP rs121908899, ClinGen allele CA118176.

ClinVar aggregate classification (germline): Uncertain significance. Review status: criteria provided, multiple submitters, no conflicts (2 of 4 stars). 3 submissions from 3 submitters: Uncertain significance (2). 1 of the submissions does not count toward it. Last evaluated 2025-04-18.

Conditions:
Progressive pseudorheumatoid dysplasia (PPRD). Also called: Progressive Pseudorheumatoid Arthropathy of Childhood; SPONDYLOEPIPHYSEAL DYSPLASIA TARDA WITH PROGRESSIVE ARTHROPATHY. Identifiers: Orphanet 1159, MedGen C0432215, MONDO:0008827, OMIM 208230. Disease mechanism: loss of function.

Allele frequency attached by ClinVar (database versions not stated): gnomAD 0.00001; TOPMed 0.00001.
gnomAD v4.1: 3 of 1,614,002 alleles (0.00019%); highest among the groups gnomAD compares: Non-Finnish European, 0.00025%; no homozygotes.

Submissions (3):

Women's Health and Genetics/Laboratory Corporation of America, LabCorp
Classification: Uncertain significance. Last evaluated: 2025-04-18. Review status: criteria provided, single submitter. Criteria: LabCorp Variant Classification Summary - May 2015. Collection method: clinical testing. Allele origin: germline.
Comment: Variant summary: CCN6 c.434G>A (p.Cys145Tyr) results in a non-conservative amino acid change located in the IGFBP-related protein, CNN type (IPR012395) of the encoded protein sequence. Five of five in-silico tools predict a damaging effect of the variant on protein function. The frequency data for this variant in gnomAD is considered unreliable, as metrics indicate poor data quality at this position. c.434G>A has been observed in one individual affected with Progressive Pseudorheumatoid Dysplasia (Hurvitz_1999). These data do not allow any conclusion about variant significance. To our knowledge, no experimental evidence demonstrating an impact on protein function has been reported. The following publication has been ascertained in the context of this evaluation (PMID: 10471507). ClinVar contains an entry for this variant (Variation ID: 6379). Based on the evidence outlined above, the variant was classified as uncertain significance.

Revvity Omics, Revvity
Classification: Uncertain significance for Progressive pseudorheumatoid dysplasia. Last evaluated: 2024-11-08. Review status: criteria provided, single submitter. Criteria: ACMG Guidelines, 2015. Collection method: clinical testing. Allele origin: germline.

OMIM
Classification: Pathogenic for PROGRESSIVE PSEUDORHEUMATOID ARTHROPATHY. Last evaluated: 1999-09-01. Review status: no assertion criteria provided. Collection method: literature only. Allele origin: germline. Not counted in ClinVar's aggregate classification.

Literature cited by the submitters: PubMed 10471507 (cited by Women's Health and Genetics/Laboratory Corporation of America, LabCorp and OMIM).